The following is an entry in ClinVar:

ClinVar aggregate classification (germline): Conflicting classifications of pathogenicity. Review status: criteria provided, conflicting classifications (1 of 4 stars). 3 submissions from 3 submitters: Uncertain significance (1); Benign (1); Likely benign (1). Last evaluated 2026-07-06.

Conditions:
Pheochromocytoma/paraganglioma syndrome 3. Also called: GLOMUS TUMORS, FAMILIAL, 3; Paragangliomas 3; SDHC-Related Hereditary Paraganglioma-Pheochromocytoma Syndrome (Paragangliomas 3); SDHC-Related Hereditary Paraganglioma-Pheochromocytoma Syndrome. Identifiers: Orphanet 29072, MedGen C1854336, MONDO:0011544, OMIM 605373.
Hereditary cancer-predisposing syndrome. Also called: Hereditary Cancer Syndrome; Hereditary neoplastic syndrome; Neoplastic Syndromes, Hereditary; Tumor predisposition. Identifiers: Orphanet 140162, MedGen C0027672, MeSH D009386, MONDO:0015356.
Gastrointestinal stromal tumor. Also called: Gastrointestinal stromal tumor, somatic; Gastrointestinal stroma tumor. Identifiers: Orphanet 44890, MedGen C0238198, MeSH D046152, MONDO:0011719, OMIM 606764, HP:0100723.

Submissions (3):

Ambry Genetics
Classification: Uncertain significance for Hereditary cancer-predisposing syndrome. Last evaluated: 2026-07-06. Review status: criteria provided, single submitter. Criteria: Ambry Variant Classification Scheme 2023. Collection method: clinical testing. Allele origin: germline.
Comment: The p.A93T variant (also known as c.277G>A), located in coding exon 5 of the SDHC gene, results from a G to A substitution at nucleotide position 277. The alanine at codon 93 is replaced by threonine, an amino acid with similar properties. This amino acid position is conserved. In addition, this alteration is predicted to be deleterious by in silico analysis. Based on the available evidence, the clinical significance of this variant remains unclear.

Myriad Genetics, Inc.
Classification: Benign for Pheochromocytoma/paraganglioma syndrome 3. Last evaluated: 2025-03-17. Review status: criteria provided, single submitter. Criteria: Myriad Autosomal Dominant, Autosomal Recessive and X-Linked Classification Criteria (2023). Collection method: clinical testing. Allele origin: unknown.
Comment: This variant is considered benign. This variant is a silent/synonymous amino acid change and it is not expected to impact splicing.

Labcorp Genetics (formerly Invitae), Labcorp
Classification: Likely benign for Pheochromocytoma/paraganglioma syndrome 3; Gastrointestinal stromal tumor. Last evaluated: 2024-01-06. Review status: criteria provided, single submitter. Criteria: Invitae Variant Classification Sherloc (09022015). Collection method: clinical testing. Allele origin: germline.

NM_003001.5(SDHC):c.441G>A (p.Gln147=)

Gene: SDHC (succinate dehydrogenase complex subunit C; plus strand). Cytogenetic location: 1q23.3.
Variant type: single nucleotide variant.
Coding change: c.441G>A on transcript NM_003001.5 (MANE Select); coding-DNA position 441, G replaced by A.
Protein change: p.Gln147=; no amino-acid change (glutamine 147 retained).
Molecular consequence: synonymous variant. On other transcripts: missense variant (3), non-coding transcript variant (1).
Genome position (GRCh38, 1-based): chr1:161,362,364, G>A. VCF-style: chr1-161362364-G-A. GRCh37 (hg19) VCF-style: chr1-161332154-G-A.
Other names: c.277G>A (NM_001035511.1); c.277G>A, p.Ala93Thr (NM_001035511.3); c.339G>A, p.Gln113= (NM_001035512.3); c.282G>A, p.Gln94= (NM_001035513.3); c.175G>A, p.Ala59Thr (NM_001278172.3); c.561G>A, p.Gln187= (NM_001407115.1); c.384G>A, p.Gln128= (NM_001407116.1); c.378G>A, p.Gln126= (NM_001407117.1); and 3 more; short protein forms A59T, A93T, A74T.
Identifiers: ClinVar variation 2953031 (VCV002953031.5), dbSNP rs2102385288, ClinGen allele CA343457704.
Genomic context (GRCh38, chr1:161,362,364, plus strand): 5'-TTTTTTTTTTTTGCTTTGTCCACAGATGTGGGACCTAGGAAAAGGCCTGAAGATTCCCCA[G>A]CTATACCAGTCTGGAGTGGTTGTCCTGGTTCTTACTGTGTTGTCCTCTATGGGGCTGGCA-3'
Protein context (NP_002992.1, residues 137-157): WDLGKGLKIP[Gln147=]LYQSGVVVLV